The following is an entry in ClinVar:

ClinVar aggregate classification (germline): Uncertain significance. Review status: criteria provided, multiple submitters, no conflicts (2 of 4 stars). 3 submissions from 3 submitters: Uncertain significance (3). Last evaluated 2026-05-06.

Conditions:
CEP290-related disorder. Also called: CEP290-related condition; CEP290-related disorders. Identifiers: MedGen CN239314.
Inborn genetic diseases. Identifiers: MedGen C0950123, MeSH D030342.
Nephronophthisis. Also called: Juvenile Nephronophthisis. Identifiers: Orphanet 655, MedGen C0687120, MONDO:0019005, HP:0000090.
Meckel-Gruber syndrome. Also called: DYSENCEPHALIA SPLANCHNOCYSTICA; GRUBER SYNDROME; Dysencephalia splachnocystica. Identifiers: Orphanet 564, MedGen C0265215, MONDO:0018921.
Joubert syndrome. Also called: JOUBERT-BOLTSHAUSER SYNDROME; Familial aplasia of the vermis. Identifiers: Orphanet 475, MedGen C5979921, MONDO:0018772.

Allele frequency attached by ClinVar (database versions not stated): TOPMed below 0.00001.

Submissions (3):

PreventionGenetics, part of Exact Sciences
Classification: Uncertain significance for CEP290-related condition. Last evaluated: 2026-05-06. Review status: criteria provided, single submitter. Criteria: ACMG Guidelines, 2015. Collection method: clinical testing. Allele origin: germline.
Comment: The CEP290 c.2821A>G variant is predicted to result in the amino acid substitution p.Met941Val. To our knowledge, this variant has not been reported in the literature or in a large population database, indicating this variant is rare. At this time, the clinical significance of this variant is uncertain due to the absence of conclusive functional and genetic evidence.

Ambry Genetics
Classification: Uncertain significance for Inborn genetic diseases. Last evaluated: 2025-12-22. Review status: criteria provided, single submitter. Criteria: Ambry Variant Classification Scheme 2023. Collection method: clinical testing. Allele origin: germline.

Labcorp Genetics (formerly Invitae), Labcorp
Classification: Uncertain significance for Joubert syndrome; Meckel-Gruber syndrome; Nephronophthisis. Last evaluated: 2022-06-27. Review status: criteria provided, single submitter. Criteria: Invitae Variant Classification Sherloc (09022015). Collection method: clinical testing. Allele origin: germline.
Comment: This sequence change replaces methionine, which is neutral and non-polar, with valine, which is neutral and non-polar, at codon 941 of the CEP290 protein (p.Met941Val). This variant is not present in population databases (gnomAD no frequency). This variant has not been reported in the literature in individuals affected with CEP290-related conditions. Algorithms developed to predict the effect of missense changes on protein structure and function (SIFT, PolyPhen-2, Align-GVGD) all suggest that this variant is likely to be tolerated. In summary, the available evidence is currently insufficient to determine the role of this variant in disease. Therefore, it has been classified as a Variant of Uncertain Significance.

NM_025114.4(CEP290):c.2821A>G (p.Met941Val)

Gene: CEP290 (centrosomal protein 290; minus strand). Cytogenetic location: 12q21.32.
Variant type: single nucleotide variant.
Coding change: c.2821A>G on transcript NM_025114.4 (MANE Select); coding-DNA position 2821, A replaced by G.
Protein change: p.Met941Val; replaces methionine 941 with valine.
Molecular consequence: missense variant.
Genome position (GRCh38, 1-based): chr12:88,103,008, T>C on the plus strand (A>G on the coding strand, the complement: CEP290 is on the minus strand). VCF-style: chr12-88103008-T-C. GRCh37 (hg19) VCF-style: chr12-88496785-T-C.
Other names: c.2821A>G (NM_025114.3); short protein forms M941V.
Identifiers: ClinVar variation 1416781 (VCV001416781.5), dbSNP rs2038012227, ClinGen allele CA385970092.